The following is an entry in ClinVar:

ClinVar aggregate classification (germline): Uncertain significance (1 of 4 stars; one submission).

Allele frequency attached by ClinVar (database versions not stated): gnomAD exomes below 0.00001 and 0.00001; gnomAD 0.00001; ExAC 0.00002; TOPMed 0.00002; ESP Exome Variant Server 0.00015.
gnomAD v4.1: 2 of 1,614,070 alleles (0.00012%); highest among the groups gnomAD compares: African/African-American, 0.0027%; no homozygotes.

Submission:

Labcorp Genetics (formerly Invitae), Labcorp
Classification: Uncertain significance. Last evaluated: 2024-10-24. Review status: criteria provided, single submitter. Criteria: Invitae Variant Classification Sherloc (09022015). Collection method: clinical testing. Allele origin: germline.
Comment: This sequence change replaces glutamine, which is neutral and polar, with glutamic acid, which is acidic and polar, at codon 2137 of the CEP250 protein (p.Gln2137Glu). This variant is present in population databases (rs369351014, gnomAD 0.02%). This variant has not been reported in the literature in individuals affected with CEP250-related conditions. ClinVar contains an entry for this variant (Variation ID: 1038085). An algorithm developed to predict the effect of missense changes on protein structure and function (PolyPhen-2) suggests that this variant¬†is likely to be tolerated. In summary, the available evidence is currently insufficient to determine the role of this variant in disease. Therefore, it has been classified as a Variant of Uncertain Significance.

NM_007186.6(CEP250):c.6409C>G (p.Gln2137Glu)

Gene: CEP250 (centrosomal protein 250; plus strand). Cytogenetic location: 20q11.22.
Variant type: single nucleotide variant.
Coding change: c.6409C>G on transcript NM_007186.6 (MANE Select); coding-DNA position 6409, C replaced by G.
Protein change: p.Gln2137Glu; replaces glutamine 2137 with glutamic acid.
Molecular consequence: missense variant.
Genome position (GRCh38, 1-based): chr20:35,504,778, C>G. VCF-style: chr20-35504778-C-G. GRCh37 (hg19) VCF-style: chr20-34092606-C-G.
Other names: c.4513C>G, p.Gln1505Glu (NM_001318219.1); short protein forms Q1505E, Q2137E.
Identifiers: ClinVar variation 1038085 (VCV001038085.7), dbSNP rs369351014, ClinGen allele CA9834061.
Genomic context (GRCh38, chr20:35,504,778, plus strand): 5'-CAGCAAAGGAACAACCTGGAAGCCTTACCCCACAGCCACAAAACCTCCCCAATGGAGGAA[C>G]AATCTCTAAAACTTGATTCTTTAGAGCCCAGGCTGCAGCGGGAGCTGGAGCGGCTACAGG-3'
Protein context (NP_009117.2, residues 2127-2147): HSHKTSPMEE[Gln2137Glu]SLKLDSLEPR